The following is an entry in ClinVar:

NM_000268.4(NF2):c.1406A>C (p.Lys469Thr)

Gene: NF2 (NF2, moesin-ezrin-radixin like (MERLIN) tumor suppressor; plus strand). Cytogenetic location: 22q12.2.
Variant type: single nucleotide variant.
Coding change: c.1406A>C on transcript NM_000268.4 (MANE Select); coding-DNA position 1406, A replaced by C.
Protein change: p.Lys469Thr; replaces lysine 469 with threonine.
Molecular consequence: missense variant. On other transcripts: non-coding transcript variant (1), intron variant (1).
Genome position (GRCh38, 1-based): chr22:29,674,901, A>C. VCF-style: chr22-29674901-A-C. GRCh37 (hg19) VCF-style: chr22-30070890-A-C.
Other names: c.1292A>C, p.Lys431Thr (NM_001407053.1, NM_001407056.1); c.1283A>C, p.Lys428Thr (NM_001407054.1, NM_001407058.1, NM_181829.3); c.1280A>C, p.Lys427Thr (NM_001407055.1, NM_181828.3); c.1271A>C, p.Lys424Thr (NM_001407057.1, NM_001407059.1); c.1406A>C, p.Lys469Thr (NM_001407060.1, NM_001407066.1, NM_016418.5 and 2 more transcripts); c.1148A>C, p.Lys383Thr (NM_001407062.1); c.1157A>C, p.Lys386Thr (NM_001407063.1, NM_001407064.1, NM_181830.3 and 1 more transcripts); c.872A>C, p.Lys291Thr (NM_001407065.1); and 2 more; short protein forms K427T, K431T, K469T, K383T, K386T, K428T, K291T, K392T.
Identifiers: ClinVar variation 2813706 (VCV002813706.3), dbSNP rs2147093257, ClinGen allele CA411149073.

ClinVar aggregate classification (germline): Uncertain significance (1 of 4 stars; one submission).

Conditions:
Neurofibromatosis, type 2 (SWNV). Also called: BILATERAL ACOUSTIC NEUROFIBROMATOSIS; NF2-Related Schwannomatosis; SCHWANNOMATOSIS, VESTIBULAR. Identifiers: Orphanet 637, MedGen C0027832, MONDO:0007039, OMIM 101000. Disease mechanism: loss of function.

Submission:

Labcorp Genetics (formerly Invitae), Labcorp
Classification: Uncertain significance for Neurofibromatosis, type 2. Last evaluated: 2023-02-05. Review status: criteria provided, single submitter. Criteria: Invitae Variant Classification Sherloc (09022015). Collection method: clinical testing. Allele origin: germline.
Comment: In summary, the available evidence is currently insufficient to determine the role of this variant in disease. Therefore, it has been classified as a Variant of Uncertain Significance. Advanced modeling of protein sequence and biophysical properties (such as structural, functional, and spatial information, amino acid conservation, physicochemical variation, residue mobility, and thermodynamic stability) performed at Invitae indicates that this missense variant is not expected to disrupt NF2 protein function. This variant has not been reported in the literature in individuals affected with NF2-related conditions. This variant is not present in population databases (gnomAD no frequency). This sequence change replaces lysine, which is basic and polar, with threonine, which is neutral and polar, at codon 469 of the NF2 protein (p.Lys469Thr).